The following is an entry in ClinVar:

ClinVar aggregate classification (germline): Conflicting classifications of pathogenicity. Review status: criteria provided, conflicting classifications (1 of 4 stars). 10 submissions from 10 submitters: Uncertain significance (9); Likely benign (1). Last evaluated 2025-09-21.

Conditions:
Familial cancer of breast. Also called: BREAST CANCER, FAMILIAL; hereditary breast carcinoma; Hereditary breast cancer. Identifiers: Orphanet 227535, MedGen C0346153, MONDO:0016419, OMIM 114480. Disease mechanism: loss of function.
Fanconi anemia complementation group D1. Also called: BRCA2-Related Fanconi Anemia. Identifiers: Orphanet 319462, MedGen C1838457, MONDO:0011584, OMIM 605724.
Medulloblastoma (MDB). Also called: Medulloblastoma, somatic; MEDULLOBLASTOMA PREDISPOSITION SYNDROME. Identifiers: Orphanet 616, MedGen C0025149, MeSH D008527, MONDO:0007959, OMIM 155255, HP:0002885.
Breast-ovarian cancer, familial, susceptibility to, 2 (BROVCA2). Also called: BRCA2 Hereditary Breast and Ovarian Cancer. Identifiers: Orphanet 145, MedGen C2675520, MONDO:0012933, OMIM 612555. Disease mechanism: loss of function.
Wilms tumor 1 (WT1). Also called: Wilms tumor, somatic. Identifiers: Orphanet 654, MedGen CN033288, MONDO:0008679, OMIM 194070.
Glioma susceptibility 3 (GLM3). Also called: Glioblastoma 3. Identifiers: Orphanet 182067, Orphanet 360, MedGen C2751641, MONDO:0013093, OMIM 613029.
Pancreatic cancer, susceptibility to, 2. Identifiers: Orphanet 1333, MedGen C3150546, MONDO:0013235, OMIM 613347.
Familial prostate cancer. Also called: Hereditary Prostate Cancer. Identifiers: MedGen C2931456, MONDO:0700275, OMIM 176807.
BRCA2-related cancer predisposition. Identifiers: MedGen CN377758, MONDO:0700269.
BRCA2-related disorder. Also called: BRCA2-related condition; BRCA2-related disorders. Identifiers: MedGen CN239275.
Hereditary cancer-predisposing syndrome. Also called: Neoplastic Syndromes, Hereditary; Hereditary neoplastic syndrome; Hereditary Cancer Syndrome; Tumor predisposition. Identifiers: Orphanet 140162, MedGen C0027672, MeSH D009386, MONDO:0015356.
Hereditary breast ovarian cancer syndrome. Also called: Breast and ovarian cancer; Hereditary breast and/or ovarian cancer syndrome; Hereditary breast and ovarian cancer syndrome; Hereditary breast and ovarian cancer syndrome (HBOC); Hereditary breast and ovarian cancer; BRCA1- and BRCA2-Associated Hereditary Breast and Ovarian Cancer. Identifiers: Orphanet 145, MedGen C0677776, MeSH D061325, MONDO:0003582. Disease mechanism: loss of function.

Allele frequency attached by ClinVar (database versions not stated): gnomAD exomes below 0.00001 and 0.00002; TOPMed 0.00001; ExAC 0.00002.
gnomAD v4.1: 6 of 1,613,926 alleles (0.00037%); highest among the groups gnomAD compares: Admixed American, 0.01%; no homozygotes.

Submissions (10):

Labcorp Genetics (formerly Invitae), Labcorp
Classification: Uncertain significance for Hereditary breast ovarian cancer syndrome. Last evaluated: 2025-09-21. Review status: criteria provided, single submitter. Criteria: Invitae Variant Classification Sherloc (09022015). Collection method: clinical testing. Allele origin: germline.
Comment: This sequence change replaces aspartic acid, which is acidic and polar, with tyrosine, which is neutral and polar, at codon 2005 of the BRCA2 protein (p.Asp2005Tyr). This variant is present in population databases (rs587781760, gnomAD 0.02%). This variant has not been reported in the literature in individuals affected with BRCA2-related conditions. ClinVar contains an entry for this variant (Variation ID: 141457). Invitae Evidence Modeling of protein sequence and biophysical properties (such as structural, functional, and spatial information, amino acid conservation, physicochemical variation, residue mobility, and thermodynamic stability) indicates that this missense variant is not expected to disrupt BRCA2 protein function with a negative predictive value of 95%. In summary, the available evidence is currently insufficient to determine the role of this variant in disease. Therefore, it has been classified as a Variant of Uncertain Significance.

Color Diagnostics, LLC DBA Color Health
Classification: Uncertain significance for Hereditary cancer-predisposing syndrome. Last evaluated: 2025-07-05. Review status: criteria provided, single submitter. Criteria: ACMG Guidelines, 2015. Collection method: clinical testing. Allele origin: germline.
Comment: This missense variant replaces aspartic acid with tyrosine at codon 2005 of the BRCA2 protein. Computational prediction suggests that this variant may not impact protein structure and function. To our knowledge, functional studies have not been reported for this variant. This variant has not been reported in individuals affected with BRCA2-related disorders in the literature. This variant has been identified in 6/250536 chromosomes in the general population by the Genome Aggregation Database (gnomAD). The available evidence is insufficient to determine the role of this variant in disease conclusively. Therefore, this variant is classified as a Variant of Uncertain Significance.

Ambry Genetics
Classification: Uncertain significance for Hereditary cancer-predisposing syndrome. Last evaluated: 2025-06-06. Review status: criteria provided, single submitter. Criteria: Ambry Variant Classification Scheme 2023. Collection method: clinical testing. Allele origin: germline.
Comment: The p.D2005Y variant (also known as c.6013G>T), located in coding exon 10 of the BRCA2 gene, results from a G to T substitution at nucleotide position 6013. The aspartic acid at codon 2005 is replaced by tyrosine, an amino acid with highly dissimilar properties. This amino acid position is not well conserved in available vertebrate species. In addition, the in silico prediction for this alteration is inconclusive. Since supporting evidence is limited at this time, the clinical significance of this alteration remains unclear.

Quest Diagnostics Nichols Institute San Juan Capistrano
Classification: Uncertain significance. Last evaluated: 2024-12-12. Review status: criteria provided, single submitter. Criteria: Quest Diagnostics criteria. Collection method: clinical testing. Allele origin: unknown.
Comment: The BRCA2 c.6013G>T (p.Asp2005Tyr) variant has been reported in the published literature in the somatic state in individuals with colorectal cancer (PMID: 38887977 (2024)) and endometrial cancer (PMID: 38282550 (2024)), and is described to be located in a region of the BRCA2 gene that is tolerant to missense sequence changes (PMID: 31911673 (2020)). To the best of our knowledge, this variant has not been reported in the germline state in individuals with BRCA2-related disorders. The frequency of this variant in the general population (Genome Aggregation Database) is uninformative in the assessment of its pathogenicity. Analysis of this variant using bioinformatics tools for the prediction of the effect of amino acid changes on protein structure and function yielded conflicting predictions that this variant is benign or damaging. Based on the available information, we are unable to determine the clinical significance of this variant.

PreventionGenetics, part of Exact Sciences
Classification: Uncertain significance for BRCA2-related condition. Last evaluated: 2024-11-11. Review status: criteria provided, single submitter. Criteria: ACMG Guidelines, 2015. Collection method: clinical testing. Allele origin: germline.
Comment: The BRCA2 c.6013G>T variant is predicted to result in the amino acid substitution p.Asp2005Tyr. To our knowledge, this variant has not been reported in the literature. This variant is reported in 0.017% of alleles in individuals of Latino descent in gnomAD. It is listed in ClinVar as a variant of uncertain significance by the majority of contributors and listed as likely benign by one laboratory. This variant also occurs within a region of the BRCA2 gene that is predicted to be tolerant to missense variation (Table 2, Dines et al. 2020. PubMed ID: 31911673). At this time, the clinical significance of this variant is uncertain due to the absence of conclusive functional and genetic evidence.

All of Us Research Program, National Institutes of Health
Classification: Uncertain significance for BRCA2-related cancer predisposition. Last evaluated: 2024-09-23. Review status: criteria provided, single submitter. Criteria: ACMG Guidelines, 2015. Collection method: clinical testing. Allele origin: germline. Inheritance: Autosomal dominant inheritance. Observed: 3 variant alleles, 3 heterozygotes.
Comment: This missense variant replaces aspartic acid with tyrosine at codon 2005 of the BRCA2 protein. Computational prediction suggests that this variant may not impact protein structure and function (internally defined REVEL score threshold <= 0.5, PMID: 27666373). To our knowledge, functional studies have not been reported for this variant. This variant has not been reported in individuals affected with BRCA2-related disorders in the literature. This variant has been identified in 6/250536 chromosomes in the general population by the Genome Aggregation Database (gnomAD). The available evidence is insufficient to determine the role of this variant in disease conclusively. Therefore, this variant is classified as a Variant of Uncertain Significance.

This study involves interpretation of variants in research participants for the purpose of population health screening. Participant phenotype was not available at the time of variant classification. Additional details can be found in publication PMID: 35346344, PMCID: PMC8962531

GeneDx
Classification: Uncertain significance. Last evaluated: 2023-10-24. Review status: criteria provided, single submitter. Criteria: GeneDx Variant Classification Process June 2021. Collection method: clinical testing. Allele origin: germline. Affected: yes.
Comment: Not observed at significant frequency in large population cohorts (gnomAD); In silico analysis supports that this missense variant has a deleterious effect on protein structure/function; Observed in individuals with breast cancer (PMID: 30630528); Also known as 6241G>T; This variant is associated with the following publications: (PMID: 29884841, 31911673, 32377563, 30630528)

Women's Health and Genetics/Laboratory Corporation of America, LabCorp
Classification: Uncertain significance. Last evaluated: 2023-05-18. Review status: criteria provided, single submitter. Criteria: LabCorp Variant Classification Summary - May 2015. Collection method: clinical testing. Allele origin: germline.
Comment: Variant summary: BRCA2 c.6013G>T (p.Asp2005Tyr) results in a non-conservative amino acid change located in the BRCA2 repeat (IPR002093) of the encoded protein sequence. Three of five in-silico tools predict a benign effect of the variant on protein function. The variant allele was found at a frequency of 2.4e-05 in 250536 control chromosomes (gnomAD). The available data on variant occurrences in the general population are insufficient to allow any conclusion about variant significance. To our knowledge, no occurrence of c.6013G>T in individuals affected with Hereditary Breast And Ovarian Cancer Syndrome and no experimental evidence demonstrating its impact on protein function have been reported. Seven ClinVar submitters have assessed the variant since 2014: six classified the variant as uncertain significance, and one as likely benign. Based on the evidence outlined above, the variant was classified as uncertain significance.

University of Washington Department of Laboratory Medicine, University of Washington
Classification: Likely benign for Hereditary cancer-predisposing syndrome. Last evaluated: 2023-03-23. Review status: criteria provided, single submitter. Criteria: Dines et al. (Genet Med. 2020). Collection method: curation. Allele origin: germline.
Comment: Missense variant in a coldspot region where missense variants are very unlikely to be pathogenic (PMID:31911673).

BRCA2 exon 11 coldspot. Reclassification based on statistical prior probability.

Center for Genomics, Ann and Robert H. Lurie Children's Hospital of Chicago
Classification: Uncertain significance for Fanconi anemia complementation group D1; Glioma susceptibility 3; Medulloblastoma; Familial prostate cancer; Breast-ovarian cancer, familial, susceptibility to, 2; Familial cancer of breast; Pancreatic cancer, susceptibility to, 2; Wilms tumor 1. Review status: criteria provided, single submitter. Criteria: ACMG Guidelines, 2015. Collection method: clinical testing. Allele origin: germline.
Comment: BRCA2 NM_000059.3 exon 11 p.Asp2005Tyr (c.6013G>T): This variant has not been reported in the literature but is present in 0.01% (6/33580) of Latino alleles in the Genome Aggregation Database. This variant is present in ClinVar (Variation ID:141457). Evolutionary conservation and computational predictive tools suggest that this variant may not impact the protein. In summary, data on this variant is insufficient for disease classification. Therefore, the clinical significance of this variant is uncertain.

Literature cited by the submitters: PubMed 29884841 (cited by Quest Diagnostics Nichols Institute San Juan Capistrano); PubMed 31911673 (cited by Quest Diagnostics Nichols Institute San Juan Capistrano); PubMed 38887977 (cited by Quest Diagnostics Nichols Institute San Juan Capistrano); PubMed 30630528 (cited by Quest Diagnostics Nichols Institute San Juan Capistrano); PubMed 38282550 (cited by Quest Diagnostics Nichols Institute San Juan Capistrano).

NM_000059.4(BRCA2):c.6013G>T (p.Asp2005Tyr)

Gene: BRCA2 (BRCA2 DNA repair associated; plus strand). Cytogenetic location: 13q13.1.
Variant type: single nucleotide variant.
Coding change: c.6013G>T on transcript NM_000059.4 (MANE Select); coding-DNA position 6013, G replaced by T.
Protein change: p.Asp2005Tyr; replaces aspartic acid 2005 with tyrosine.
Molecular consequence: missense variant.
Genome position (GRCh38, 1-based): chr13:32,340,368, G>T. VCF-style: chr13-32340368-G-T. GRCh37 (hg19) VCF-style: chr13-32914505-G-T.
Other names: short protein forms D2005Y.
Identifiers: ClinVar variation 141457 (VCV000141457.34), dbSNP rs587781760, ClinGen allele CA023516.